The following is an entry in ClinVar:

NC_000023.10:g.(32862978_32867844)_(32867938_33038255)dup

Gene: DMD (dystrophin; minus strand). Cytogenetic location: Xp21.1.
Variant type: Duplication.
Identifiers: ClinVar variation 1339733 (VCV001339733.1).

ClinVar aggregate classification (germline): Pathogenic (1 of 4 stars; one submission).

Conditions:
Neuromuscular disease caused by qualitative or quantitative defects of dystrophin. Also called: Qualitative or quantitative defects of dystrophin. Identifiers: Orphanet 207085, MedGen C5679787, MONDO:0016147.

Submission:

Women's Health and Genetics/Laboratory Corporation of America, LabCorp
Classification: Pathogenic for Neuromuscular disease caused by qualitative or quantitative defects of dystrophin. Last evaluated: 2022-01-03. Review status: criteria provided, single submitter. Criteria: LabCorp Variant Classification Summary - May 2015. Collection method: clinical testing. Allele origin: germline.
Comment: Variant summary: The variant identified by MLPA or other technology involves the duplication of exons 3 in the DMD gene. A presumed nomenclature of c.(93+1_94-1)_(186+1_187-1)dup has been designated for the purposes of this classification. It has been assumed that this is a tandem duplication in direct orientation (Richardson_GIM_2018, Newman_AJHG_2015). Although exact breakpoints of this duplication are not known, it is expected to result in a large in-frame duplication change in the DMD gene. The variant was absent in 16062 control chromosomes. c.(93+1_94-1)_(186+1_187-1)dup has been reported in the literature in individuals affected with Dystrophinopathies (e.g. White_2006, Zimowski_2014, Nallamilli_2021). These data indicate that the variant may be associated with disease. To our knowledge, no experimental evidence demonstrating an impact on protein function has been reported. No clinical diagnostic laboratories have submitted clinical-significance assessments for this variant to ClinVar after 2014. Based on the evidence outlined above, the variant was classified as pathogenic.

Literature cited by the submitters: PubMed 25482253; PubMed 16917894; PubMed 33644936.